The following is an entry in ClinVar:

NM_030973.4(MED25):c.1243G>A (p.Ala415Thr)

Gene: MED25 (mediator complex subunit 25; plus strand). Cytogenetic location: 19q13.33.
Variant type: single nucleotide variant.
Coding change: c.1243G>A on transcript NM_030973.4 (MANE Select); coding-DNA position 1243, G replaced by A.
Protein change: p.Ala415Thr; replaces alanine 415 with threonine.
Molecular consequence: missense variant.
Genome position (GRCh38, 1-based): chr19:49,831,948, G>A. VCF-style: chr19-49831948-G-A. GRCh37 (hg19) VCF-style: chr19-50335205-G-A.
Other names: c.1243G>A, p.Ala415Thr (NM_001378355.1); short protein forms A415T.
Identifiers: ClinVar variation 1500335 (VCV001500335.6), dbSNP rs771844561, ClinGen allele CA406916617.

ClinVar aggregate classification (germline): Uncertain significance (1 of 4 stars; one submission).

Conditions:
Charcot-Marie-Tooth disease type 2. Also called: Charcot-Marie-Tooth type 2. Identifiers: Orphanet 64746, MedGen C0270914, MONDO:0018993.

Submission:

Labcorp Genetics (formerly Invitae), Labcorp
Classification: Uncertain significance for Charcot-Marie-Tooth disease type 2. Last evaluated: 2021-12-03. Review status: criteria provided, single submitter. Criteria: Invitae Variant Classification Sherloc (09022015). Collection method: clinical testing. Allele origin: germline.
Comment: This variant has not been reported in the literature in individuals affected with MED25-related conditions. This variant is not present in population databases (gnomAD no frequency). This sequence change replaces alanine, which is neutral and non-polar, with threonine, which is neutral and polar, at codon 415 of the MED25 protein (p.Ala415Thr). Algorithms developed to predict the effect of missense changes on protein structure and function are either unavailable or do not agree on the potential impact of this missense change (SIFT: "Deleterious"; PolyPhen-2: "Benign"; Align-GVGD: "Class C0"). In summary, the available evidence is currently insufficient to determine the role of this variant in disease. Therefore, it has been classified as a Variant of Uncertain Significance.